The following is an entry in ClinVar:

ClinVar aggregate classification (germline): Likely pathogenic (1 of 4 stars; one submission).

Conditions:
Autosomal recessive limb-girdle muscular dystrophy type 2J (LGMDR10). Also called: Limb-girdle muscular dystrophy, type 2J; MUSCULAR DYSTROPHY, LIMB-GIRDLE, AUTOSOMAL RECESSIVE 10. Identifiers: Orphanet 140922, MedGen C1837342, MONDO:0012127, OMIM 608807.
Dilated cardiomyopathy 1G (CMD1G). Identifiers: Orphanet 154, MedGen C1858763, MONDO:0011400, OMIM 604145.

Submission:

Labcorp Genetics (formerly Invitae), Labcorp
Classification: Likely pathogenic for Dilated cardiomyopathy 1G; Autosomal recessive limb-girdle muscular dystrophy type 2J. Last evaluated: 2024-08-29. Review status: criteria provided, single submitter. Criteria: Invitae Variant Classification Sherloc (09022015). Collection method: clinical testing. Allele origin: germline.
Comment: This sequence change creates a premature translational stop signal (p.Ile22021Thrfs*6) in the TTN gene. While this is not anticipated to result in nonsense mediated decay, it is expected to create a truncated TTN protein. This variant is not present in population databases (gnomAD no frequency). This variant has not been reported in the literature in individuals affected with TTN-related conditions. This variant is located in the A band of TTN (PMID: 25589632). Truncating variants in this region are significantly overrepresented in patients affected with dilated cardiomyopathy (PMID: 25589632). Truncating variants in this region have also been reported in individuals affected with autosomal recessive centronuclear myopathy (PMID: 23975875). In summary, the currently available evidence indicates that the variant is pathogenic, but additional data are needed to prove that conclusively. Therefore, this variant has been classified as Likely Pathogenic.

Literature cited by the submitters: PubMed 25589632; PubMed 23975875.

NM_001267550.2(TTN):c.66058_66061dup (p.Ile22021fs)

Genes: TTN (titin; minus strand), TTN-AS1 (TTN antisense RNA 1; plus strand). Cytogenetic location: 2q31.2.
Variant type: Duplication.
Coding change: c.66058_66061dup on transcript NM_001267550.2 (MANE Select); coding-DNA positions 66058 to 66061, 4 bases duplicated (CTTA; older notation c.66058_66061dupCTTA).
Protein change: p.Ile22021fs; shifts the reading frame from isoleucine 22021.
Molecular consequence: frameshift variant.
Genome position (GRCh38, 1-based): chr2:178,582,395-178,582,398, TAAG duplicated on the plus strand (CTTA on the coding strand, the reverse complement: TTN is on the minus strand); duplicating any 4 consecutive bases within chr2:178,582,395-178,582,399 gives the same sequence; the c. name uses the placement nearest the transcript's 3' end. VCF-style (leftmost placement, unchanged base first): chr2-178582394-A-ATAAG. GRCh37 (hg19) VCF-style: chr2-179447121-A-ATAAG.
Other names: c.61135_61138dup, p.Ile20380fs (NM_001256850.1); c.38863_38866dup, p.Ile12956fs (NM_003319.4); c.58354_58357dup, p.Ile19453fs (NM_133378.4); c.39238_39241dup, p.Ile13081fs (NM_133432.3); c.39439_39442dup, p.Ile13148fs (NM_133437.4); short protein forms I12956fs, I13081fs, I13148fs, I19453fs, I20380fs, I22021fs.
Identifiers: ClinVar variation 3754351 (VCV003754351.2).
Genomic context (GRCh38, chr2:178,582,394, plus strand): 5'-GGATCGCCTACTCCATATTTATTTTCAGCACAAATACGGAACTGATACTCATGGCCCTCT[A>ATAAG]TAAGTTTCTCCACGCTGCAGCTGGTGATAGGCACAGTTGCAGAGACTTGAGCCCAGTTGG-3'